The following is an entry in ClinVar:

NM_020376.4(PNPLA2):c.655C>T (p.Leu219Phe)

Gene: PNPLA2 (patatin like domain 2, triacylglycerol lipase; plus strand). Cytogenetic location: 11p15.5.
Variant type: single nucleotide variant.
Coding change: c.655C>T on transcript NM_020376.4 (MANE Select); coding-DNA position 655, C replaced by T.
Protein change: p.Leu219Phe; replaces leucine 219 with phenylalanine.
Molecular consequence: missense variant.
Genome position (GRCh38, 1-based): chr11:822,565, C>T. VCF-style: chr11-822565-C-T. GRCh37 (hg19) VCF-style: chr11-822565-C-T.
Other names: short protein forms L219F.
Identifiers: ClinVar variation 574730 (VCV000574730.12), dbSNP rs140612115, ClinGen allele CA5791078.

ClinVar aggregate classification (germline): Uncertain significance. Review status: criteria provided, multiple submitters, no conflicts (2 of 4 stars). 3 submissions from 3 submitters: Uncertain significance (3). Last evaluated 2024-01-19.

Conditions:
Neutral lipid storage myopathy (NLSDM). Also called: NEUTRAL LIPID STORAGE DISEASE WITHOUT ICHTHYOSIS. Identifiers: Orphanet 98908, MedGen C1853136, MONDO:0012545, OMIM 610717.

Allele frequency attached by ClinVar (database versions not stated): gnomAD 0.00003; TOPMed 0.00013; gnomAD exomes 0.00015 and 0.00024; 1000 Genomes Project 30x 0.00016; ExAC 0.00017; 1000 Genomes Project 0.00020.
gnomAD v4.1: 365 of 1,613,960 alleles (0.023%); highest among the groups gnomAD compares: Non-Finnish European, 0.028%; no homozygotes.

Submissions (3):

Revvity Omics, Revvity
Classification: Uncertain significance for Neutral lipid storage myopathy. Last evaluated: 2024-01-19. Review status: criteria provided, single submitter. Criteria: ACMG Guidelines, 2015. Collection method: clinical testing. Allele origin: germline.

Labcorp Genetics (formerly Invitae), Labcorp
Classification: Uncertain significance for Neutral lipid storage myopathy. Last evaluated: 2022-10-31. Review status: criteria provided, single submitter. Criteria: Invitae Variant Classification Sherloc (09022015). Collection method: clinical testing. Allele origin: germline.
Comment: This sequence change replaces leucine, which is neutral and non-polar, with phenylalanine, which is neutral and non-polar, at codon 219 of the PNPLA2 protein (p.Leu219Phe). This variant is present in population databases (rs140612115, gnomAD 0.02%). This missense change has been observed in individual(s) with obesity (PMID: 16644682). ClinVar contains an entry for this variant (Variation ID: 574730). Advanced modeling of protein sequence and biophysical properties (such as structural, functional, and spatial information, amino acid conservation, physicochemical variation, residue mobility, and thermodynamic stability) performed at Invitae indicates that this missense variant is not expected to disrupt PNPLA2 protein function. In summary, the available evidence is currently insufficient to determine the role of this variant in disease. Therefore, it has been classified as a Variant of Uncertain Significance.

Illumina Laboratory Services, Illumina
Classification: Uncertain significance for Neutral lipid storage myopathy. Last evaluated: 2017-04-28. Review status: criteria provided, single submitter. Criteria: ICSL Variant Classification Criteria 13 December 2019. Collection method: clinical testing. Allele origin: germline.
Comment: This variant was observed as part of a predisposition screen in an ostensibly healthy population. A literature search was performed for the gene, cDNA change, and amino acid change (where applicable). Publications were found based on this search. However, the evidence from the literature, in combination with allele frequency data from public databases where available, was not sufficient to rule this variant in or out of causing disease. Therefore, this variant is classified as a variant of unknown significance.

Literature cited by the submitters: PubMed 16644682 (cited by Labcorp Genetics (formerly Invitae), Labcorp and Illumina Laboratory Services, Illumina); PubMed 21170305 (cited by Illumina Laboratory Services, Illumina).